The following is an entry in ClinVar:

ClinVar aggregate classification (germline): Pathogenic (1 of 4 stars; one submission).

Conditions:
Hereditary cancer-predisposing syndrome. Also called: Tumor predisposition; Neoplastic Syndromes, Hereditary; Hereditary Cancer Syndrome; Hereditary neoplastic syndrome. Identifiers: Orphanet 140162, MedGen C0027672, MeSH D009386, MONDO:0015356.

Submission:

Ambry Genetics
Classification: Pathogenic for Hereditary cancer-predisposing syndrome. Last evaluated: 2024-09-22. Review status: criteria provided, single submitter. Criteria: Ambry Variant Classification Scheme 2023. Collection method: clinical testing. Allele origin: germline.
Comment: The p.L1776* pathogenic mutation (also known as c.5327T>A), located in coding exon 10 of the BRCA2 gene, results from a T to A substitution at nucleotide position 5327. This changes the amino acid from a leucine to a stop codon within coding exon 10. This variant is considered to be rare based on population cohorts in the Genome Aggregation Database (gnomAD). This alteration is expected to result in loss of function by premature protein truncation or nonsense-mediated mRNA decay. As such, this alteration is interpreted as a disease-causing mutation.

NM_000059.4(BRCA2):c.5327T>A (p.Leu1776Ter)

Gene: BRCA2 (BRCA2 DNA repair associated; plus strand). Cytogenetic location: 13q13.1.
Variant type: single nucleotide variant.
Coding change: c.5327T>A on transcript NM_000059.4 (MANE Select); coding-DNA position 5327, T replaced by A.
Protein change: p.Leu1776Ter; replaces leucine 1776 with a stop codon.
Molecular consequence: nonsense. On other transcripts: non-coding transcript variant (1), intron variant (2).
Genome position (GRCh38, 1-based): chr13:32,339,682, T>A. VCF-style: chr13-32339682-T-A. GRCh37 (hg19) VCF-style: chr13-32913819-T-A.
Other names: c.5327T>A, p.Leu1776Ter (NM_001406719.1, NM_001406720.1, NM_001432077.1); c.1910-4876T>A (NM_001406721.1); c.425-4876T>A (NM_001406722.1); short protein forms L1776*.
Identifiers: ClinVar variation 3482092 (VCV003482092.1).